The following is an entry in ClinVar:

ClinVar aggregate classification (germline): Conflicting classifications of pathogenicity. Review status: criteria provided, conflicting classifications (1 of 4 stars). 3 submissions from 3 submitters: Uncertain significance (1); Likely benign (2). Last evaluated 2026-05-15.

Conditions:
Autosomal recessive limb-girdle muscular dystrophy type 2Q (LGMDR17). Also called: MUSCULAR DYSTROPHY, LIMB-GIRDLE, AUTOSOMAL RECESSIVE 17. Identifiers: Orphanet 254361, MedGen C3150989, MONDO:0013390, OMIM 613723.
Epidermolysis bullosa simplex 5B, with muscular dystrophy (EBS5B). Also called: EPIDERMOLYSIS BULLOSA SIMPLEX AND LIMB-GIRDLE MUSCULAR DYSTROPHY; Epidermolysis bullosa simplex with muscular dystrophy. Identifiers: Orphanet 257, MedGen C2931072, MONDO:0009181, OMIM 226670.
Epidermolysis bullosa simplex, Ogna type (EBS5A). Also called: Pidermolysis bullosa simplex 5A, Ogna type; EPIDERMOLYSIS BULLOSA SIMPLEX 5A, OGNA TYPE. Identifiers: Orphanet 79401, MedGen C0432317, MONDO:0007555, OMIM 131950.
Epidermolysis bullosa simplex with nail dystrophy (EBS5D). Identifiers: MedGen C4225309, MONDO:0014661, OMIM 616487.
Epidermolysis bullosa simplex 5C, with pyloric atresia (EBS5C). Also called: PLEC-Related Epidermolysis Bullosa with Pyloric Atresia; Epidermolysis bullosa simplex with pyloric atresia; PLEC1-Related Epidermolysis Bullosa with Pyloric Atresia. Identifiers: Orphanet 158684, MedGen C2677349, MONDO:0012807, OMIM 612138.
PLEC-related disorder. Also called: PLEC-related disorders; PLEC-related condition.

Allele frequency attached by ClinVar (database versions not stated): gnomAD 0.00002 and 0.00005; TOPMed 0.00003; gnomAD exomes 0.00009 and 0.00015; 1000 Genomes Project 30x 0.00016; ExAC 0.00016; 1000 Genomes Project 0.00020.
gnomAD v4.1: 145 of 1,613,204 alleles (0.009%); highest among the groups gnomAD compares: South Asian, 0.088%; no homozygotes.

Submissions (3):

PreventionGenetics, part of Exact Sciences
Classification: Likely benign for PLEC-related condition. Last evaluated: 2026-05-15. Review status: criteria provided, single submitter. Criteria: ACMG Guidelines, 2015. Collection method: clinical testing. Allele origin: germline.
Comment: This variant is classified as likely benign based on ACMG/AMP sequence variant interpretation guidelines (Richards et al. 2015 PMID: 25741868, with internal and published modifications).

Labcorp Genetics (formerly Invitae), Labcorp
Classification: Likely benign for Autosomal recessive limb-girdle muscular dystrophy type 2Q; Epidermolysis bullosa simplex, Ogna type; Epidermolysis bullosa simplex with nail dystrophy; Epidermolysis bullosa simplex 5C, with pyloric atresia; Epidermolysis bullosa simplex 5B, with muscular dystrophy. Last evaluated: 2024-05-15. Review status: criteria provided, single submitter. Criteria: Invitae Variant Classification Sherloc (09022015). Collection method: clinical testing. Allele origin: germline.

Eurofins Ntd Llc (ga)
Classification: Uncertain significance. Last evaluated: 2017-01-09. Review status: criteria provided, single submitter. Criteria: EGL Classification Definitions 2015. Collection method: clinical testing. Allele origin: germline. Observed: 1 variant allele, 1 heterozygote.

NM_201384.3(PLEC):c.1335G>A (p.Ala445=)

Gene: PLEC (plectin; minus strand). Cytogenetic location: 8q24.3.
Variant type: single nucleotide variant.
Coding change: c.1335G>A on transcript NM_201384.3 (MANE Select); coding-DNA position 1335, G replaced by A.
Protein change: p.Ala445=; no amino-acid change (alanine 445 retained).
Molecular consequence: synonymous variant.
Genome position (GRCh38, 1-based): chr8:143,933,280, C>T on the plus strand (G>A on the coding strand, the complement: PLEC is on the minus strand). VCF-style: chr8-143933280-C-T. GRCh37 (hg19) VCF-style: chr8-145007448-C-T.
Other names: c.1416G>A, p.Ala472= (NM_000445.5); c.1293G>A, p.Ala431= (NM_201378.4); c.1269G>A, p.Ala423= (NM_201379.3); c.1746G>A, p.Ala582= (NM_201380.4); c.1239G>A, p.Ala413= (NM_201381.3); c.1335G>A, p.Ala445= (NM_201382.4); c.1347G>A, p.Ala449= (NM_201383.3); c.1416G>A (NM_000445.4).
Identifiers: ClinVar variation 499696 (VCV000499696.13), dbSNP rs530403338, ClinGen allele CA4928012.